The following is an entry in ClinVar:

ClinVar aggregate classification (germline): Uncertain significance (1 of 4 stars; one submission).

Conditions:
Inborn genetic diseases. Identifiers: MedGen C0950123, MeSH D030342.

Allele frequency attached by ClinVar (database versions not stated): gnomAD exomes below 0.00001.
gnomAD v4.1: 1 of 1,614,030 alleles (0.000062%); highest among the groups gnomAD compares: Non-Finnish European, 0.000085%; no homozygotes.

Submission:

Ambry Genetics
Classification: Uncertain significance for Inborn genetic diseases. Last evaluated: 2023-05-18. Review status: criteria provided, single submitter. Criteria: Ambry Variant Classification Scheme 2023. Collection method: clinical testing. Allele origin: germline.
Comment: The p.S250T variant (also known as c.749G>C), located in coding exon 4 of the ATR gene, results from a G to C substitution at nucleotide position 749. The serine at codon 250 is replaced by threonine, an amino acid with similar properties. This amino acid position is conserved. In addition, this alteration is predicted to be tolerated by in silico analysis. Since supporting evidence is limited at this time, the clinical significance of this alteration remains unclear.

NM_001184.4(ATR):c.749G>C (p.Ser250Thr)

Gene: ATR (ATR checkpoint kinase; minus strand). Cytogenetic location: 3q23.
Variant type: single nucleotide variant.
Coding change: c.749G>C on transcript NM_001184.4 (MANE Select); coding-DNA position 749, G replaced by C.
Protein change: p.Ser250Thr; replaces serine 250 with threonine.
Molecular consequence: missense variant.
Genome position (GRCh38, 1-based): chr3:142,562,653, C>G on the plus strand (G>C on the coding strand, the complement: ATR is on the minus strand). VCF-style: chr3-142562653-C-G. GRCh37 (hg19) VCF-style: chr3-142281495-C-G.
Other names: c.749G>C, p.Ser250Thr (NM_001354579.2); short protein forms S250T.
Identifiers: ClinVar variation 2567834 (VCV002567834.2), dbSNP rs2108487809, ClinGen allele CA354825706.